The following is an entry in ClinVar:

ClinVar aggregate classification (germline): Uncertain significance (1 of 4 stars; one submission).

Submission:

Labcorp Genetics (formerly Invitae), Labcorp
Classification: Uncertain significance. Last evaluated: 2024-05-17. Review status: criteria provided, single submitter. Criteria: Invitae Variant Classification Sherloc (09022015). Collection method: clinical testing. Allele origin: germline.
Comment: This sequence change replaces isoleucine, which is neutral and non-polar, with phenylalanine, which is neutral and non-polar, at codon 1831 of the ASPM protein (p.Ile1831Phe). This variant is not present in population databases (gnomAD no frequency). This variant has not been reported in the literature in individuals affected with ASPM-related conditions. Advanced modeling of protein sequence and biophysical properties (such as structural, functional, and spatial information, amino acid conservation, physicochemical variation, residue mobility, and thermodynamic stability) performed at Invitae indicates that this missense variant is not expected to disrupt ASPM protein function with a negative predictive value of 80%. In summary, the available evidence is currently insufficient to determine the role of this variant in disease. Therefore, it has been classified as a Variant of Uncertain Significance.

NM_018136.5(ASPM):c.5491A>T (p.Ile1831Phe)

Gene: ASPM (assembly factor for spindle microtubules; minus strand). Cytogenetic location: 1q31.3.
Variant type: single nucleotide variant.
Coding change: c.5491A>T on transcript NM_018136.5 (MANE Select); coding-DNA position 5491, A replaced by T.
Protein change: p.Ile1831Phe; replaces isoleucine 1831 with phenylalanine.
Molecular consequence: missense variant. On other transcripts: intron variant (1).
Genome position (GRCh38, 1-based): chr1:197,103,760, T>A on the plus strand (A>T on the coding strand, the complement: ASPM is on the minus strand). VCF-style: chr1-197103760-T-A. GRCh37 (hg19) VCF-style: chr1-197072890-T-A.
Other names: c.4066-7596A>T (NM_001206846.2); short protein forms I1831F.
Identifiers: ClinVar variation 3653730 (VCV003653730.2).
Genomic context (GRCh38, chr1:197,103,760, plus strand): 5'-TAGATTGAAGCACAGATTGATATTTTACCCTTTTATTATAGCCTCTAAAAGCAGACTGAA[T>A]TTTAAGAGCAGCTATAGATTGTTGTTTGATTAGCTGGCGTACTTTATAACCTCTGTAAGC-3'
Protein context (NP_060606.3, residues 1821-1841): IKQQSIAALK[Ile1831Phe]QSAFRGYNKR